The following is an entry in ClinVar:

NM_000271.5(NPC1):c.347G>A (p.Arg116Gln)

Gene: NPC1 (NPC intracellular cholesterol transporter 1; minus strand). Cytogenetic location: 18q11.2.
Variant type: single nucleotide variant.
Coding change: c.347G>A on transcript NM_000271.5 (MANE Select); coding-DNA position 347, G replaced by A.
Protein change: p.Arg116Gln; replaces arginine 116 with glutamine.
Molecular consequence: missense variant.
Genome position (GRCh38, 1-based): chr18:23,568,939, C>T on the plus strand (G>A on the coding strand, the complement: NPC1 is on the minus strand). VCF-style: chr18-23568939-C-T. GRCh37 (hg19) VCF-style: chr18-21148903-C-T.
Other names: short protein forms R116Q.
Identifiers: ClinVar variation 2101425 (VCV002101425.2), dbSNP rs140952850, ClinGen allele CA8913755.

ClinVar aggregate classification (germline): Uncertain significance (1 of 4 stars; one submission).

Conditions:
Niemann-Pick disease, type C1. Also called: NIEMANN-PICK DISEASE, VARIANT TYPE C1; NEUROVISCERAL STORAGE DISEASE WITH VERTICAL SUPRANUCLEAR OPHTHALMOPLEGIA; NIEMANN-PICK DISEASE WITH CHOLESTEROL ESTERIFICATION BLOCK; NIEMANN-PICK DISEASE WITHOUT SPHINGOMYELINASE DEFICIENCY; NIEMANN-PICK DISEASE, CHRONIC NEURONOPATHIC FORM. Identifiers: Orphanet 646, MedGen C3179455, MONDO:0009757, OMIM 257220.

Allele frequency attached by ClinVar (database versions not stated): gnomAD exomes 0.00001; ExAC 0.00002; TOPMed 0.00006; gnomAD 0.00009; ESP Exome Variant Server 0.00015; 1000 Genomes Project 0.00020; 1000 Genomes Project 30x 0.00031.
gnomAD v4.1: 22 of 1,613,840 alleles (0.0014%); highest among the groups gnomAD compares: African/African-American, 0.02%; no homozygotes.

Submission:

Labcorp Genetics (formerly Invitae), Labcorp
Classification: Uncertain significance for Niemann-Pick disease, type C1. Last evaluated: 2024-12-02. Review status: criteria provided, single submitter. Criteria: Invitae Variant Classification Sherloc (09022015). Collection method: clinical testing. Allele origin: germline.
Comment: This sequence change replaces arginine, which is basic and polar, with glutamine, which is neutral and polar, at codon 116 of the NPC1 protein (p.Arg116Gln). This variant is present in population databases (rs140952850, gnomAD 0.02%). This variant has not been reported in the literature in individuals affected with NPC1-related conditions. ClinVar contains an entry for this variant (Variation ID: 2101425). Invitae Evidence Modeling of protein sequence and biophysical properties (such as structural, functional, and spatial information, amino acid conservation, physicochemical variation, residue mobility, and thermodynamic stability) indicates that this missense variant is not expected to disrupt NPC1 protein function with a negative predictive value of 95%. Algorithms developed to predict the effect of sequence changes on RNA splicing suggest that this variant may create or strengthen a splice site. In summary, the available evidence is currently insufficient to determine the role of this variant in disease. Therefore, it has been classified as a Variant of Uncertain Significance.